The following is an entry in ClinVar:

ClinVar aggregate classification (germline): Uncertain significance. Review status: criteria provided, multiple submitters, no conflicts (2 of 4 stars). 9 submissions from 9 submitters: Uncertain significance (9). Last evaluated 2025-11-18.

Conditions:
Hypertrophic cardiomyopathy 1 (CMH1). Also called: MYH7-Related Familial Hypertrophic Cardiomyopathy; Familial hypertrophic cardiomyopathy 1. Identifiers: MedGen C3495498, MONDO:0008647, OMIM 192600.
Myosin storage myopathy (CMYO7A). Also called: SCAPULOPERONEAL MUSCULAR DYSTROPHY; SCAPULOPERONEAL SYNDROME, MYOPATHIC TYPE; MYH7-related late-onset scapuloperoneal muscular dystrophy; Congenital myopathy 7A, myosin storage, autosomal dominant; MYOPATHY WITH LYSIS OF TYPE I MYOFIBRILS; Scapuloperoneal myopathy, MYH7-related. Identifiers: Orphanet 437572, Orphanet 636965, MedGen C1842160, MONDO:0008409, OMIM 608358.
Congenital myopathy with fiber type disproportion. Also called: Congenital fiber-type disproportion myopathy; Congenital fiber-type disproportion. Identifiers: Orphanet 2020, MedGen C0546264, MONDO:0009711. Inheritance: all.
Myopathy, myosin storage, autosomal recessive (CMYO7B). Also called: CONGENITAL MYOPATHY 7B, MYOSIN STORAGE, AUTOSOMAL RECESSIVE. Identifiers: Orphanet 636970, MedGen C1850709, MONDO:0009708, OMIM 255160.
MYH7-related skeletal myopathy. Also called: Laing distal myopathy; Myopathy, distal, 1; MYOPATHY, DISTAL, EARLY-ONSET, AUTOSOMAL DOMINANT; MYOPATHY, LATE DISTAL HEREDITARY; Laing early-onset distal myopathy. Identifiers: Orphanet 59135, MedGen C4552004, MONDO:0008050, OMIM 160500.
Dilated cardiomyopathy 1S (CMD1S). Identifiers: Orphanet 154, Orphanet 54260, MedGen C1834481, MONDO:0013262, OMIM 613426.
Cardiovascular phenotype. Identifiers: MedGen CN230736.
Cardiomyopathy (CMYO). Also called: Cardiomyopathies. Identifiers: Orphanet 167848, MedGen C0878544, MONDO:0004994, HP:0001638. Inheritance: Various modes of inheritance.
Hypertrophic cardiomyopathy. Also called: HYPERTROPHIC MYOCARDIOPATHY. Identifiers: Orphanet 217569, MedGen C0007194, MeSH D002312, MONDO:0005045, HP:0001639.

Allele frequency attached by ClinVar (database versions not stated): gnomAD 0.00001; TOPMed 0.00001.

Submissions (9):

Labcorp Genetics (formerly Invitae), Labcorp
Classification: Uncertain significance for Hypertrophic cardiomyopathy. Last evaluated: 2025-11-18. Review status: criteria provided, single submitter. Criteria: Invitae Variant Classification Sherloc (09022015). Collection method: clinical testing. Allele origin: germline.
Comment: This sequence change replaces glutamic acid, which is acidic and polar, with valine, which is neutral and non-polar, at codon 1152 of the MYH7 protein (p.Glu1152Val). This variant is not present in population databases (gnomAD no frequency). This missense change has been observed in individual(s) with dilated cardiomyopathy (PMID: 24503780, 37652022). ClinVar contains an entry for this variant (Variation ID: 42961). Invitae Evidence Modeling of protein sequence and biophysical properties (such as structural, functional, and spatial information, amino acid conservation, physicochemical variation, residue mobility, and thermodynamic stability) indicates that this missense variant is expected to disrupt MYH7 protein function with a positive predictive value of 95%. In summary, the available evidence is currently insufficient to determine the role of this variant in disease. Therefore, it has been classified as a Variant of Uncertain Significance.

All of Us Research Program, National Institutes of Health
Classification: Uncertain significance for Cardiomyopathy. Last evaluated: 2024-06-17. Review status: criteria provided, single submitter. Criteria: ACMG Guidelines, 2015. Collection method: clinical testing. Allele origin: germline. Inheritance: Autosomal dominant inheritance. Observed: 2 variant alleles, 2 heterozygotes.
Comment: This missense variant replaces glutamic acid with valine at codon 1152 of the MYH7 protein. Computational prediction tool suggests that this variant may have deleterious impact on protein structure and function. Splice site prediction tools suggest that this variant may not impact RNA splicing. To our knowledge, functional studies have not been performed for this variant. This variant has not been reported in individuals affected with cardiovascular disorders in the literature. This variant has not been identified in the general population by the Genome Aggregation Database (gnomAD). The available evidence is insufficient to determine the role of this variant in disease conclusively. Therefore, this variant is classified as a Variant of Uncertain Significance.

This study involves interpretation of variants in research participants for the purpose of population health screening. Participant phenotype was not available at the time of variant classification. Additional details can be found in publication PMID: 35346344, PMCID: PMC8962531

Color Diagnostics, LLC DBA Color Health
Classification: Uncertain significance for Cardiomyopathy. Last evaluated: 2024-05-16. Review status: criteria provided, single submitter. Criteria: ACMG Guidelines, 2015. Collection method: clinical testing. Allele origin: germline.
Comment: This missense variant replaces glutamic acid with valine at codon 1152 of the MYH7 protein. Computational prediction tool suggests that this variant may have deleterious impact on protein structure and function. Splice site prediction tools suggest that this variant may not impact RNA splicing. To our knowledge, functional studies have not been performed for this variant. This variant has not been reported in individuals affected with cardiovascular disorders in the literature. This variant has not been identified in the general population by the Genome Aggregation Database (gnomAD). The available evidence is insufficient to determine the role of this variant in disease conclusively. Therefore, this variant is classified as a Variant of Uncertain Significance.

Ambry Genetics
Classification: Uncertain significance for Cardiovascular phenotype. Last evaluated: 2024-02-07. Review status: criteria provided, single submitter. Criteria: Ambry Variant Classification Scheme 2023. Collection method: clinical testing. Allele origin: germline.
Comment: The p.E1152V variant (also known as c.3455A>T), located in coding exon 25 of the MYH7 gene, results from an A to T substitution at nucleotide position 3455. The glutamic acid at codon 1152 is replaced by valine, an amino acid with dissimilar properties. This alteration has been reported in a cardiomyopathy cohort and a genetic testing cohort; however, clinical details were limited (Homburger JR et al. Proc Natl Acad Sci U S A, 2016 06;113:6701-6; Walsh R et al. Genet Med, 2017 02;19:192-203). This amino acid position is highly conserved in available vertebrate species. In addition, this alteration is predicted to be deleterious by in silico analysis. Since supporting evidence is limited at this time, the clinical significance of this alteration remains unclear.

Revvity Omics, Revvity
Classification: Uncertain significance. Last evaluated: 2023-02-09. Review status: criteria provided, single submitter. Criteria: ACMG Guidelines, 2015. Collection method: clinical testing. Allele origin: germline.

GeneDx
Classification: Uncertain significance. Last evaluated: 2022-06-08. Review status: criteria provided, single submitter. Criteria: GeneDx Variant Classification Process June 2021. Collection method: clinical testing. Allele origin: germline. Affected: yes.
Comment: Reported in the apparent homozygous state in a patient with a personal and family history of dilated cardiomyopathy, but familial segregation information was not provided (Pugh et al., 2014); Not observed at significant frequency in large population cohorts (gnomAD); In silico analysis supports that this missense variant has a deleterious effect on protein structure/function; This variant is associated with the following publications: (PMID: 27532257, 24503780)

CHEO Genetics Diagnostic Laboratory, Children's Hospital of Eastern Ontario
Classification: Uncertain significance for Cardiomyopathy. Last evaluated: 2022-06-02. Review status: criteria provided, single submitter. Criteria: ACMG Guidelines, 2015. Collection method: clinical testing. Allele origin: germline. Study: Canadian Open Genetics Repository.

Fulgent Genetics
Classification: Uncertain significance for MYH7-related skeletal myopathy; Myosin storage myopathy; Hypertrophic cardiomyopathy 1; Myopathy, myosin storage, autosomal recessive; Congenital myopathy 4A, autosomal dominant; Dilated cardiomyopathy 1S. Last evaluated: 2021-08-02. Review status: criteria provided, single submitter. Criteria: ACMG Guidelines, 2015. Collection method: clinical testing. Allele origin: unknown.

Laboratory for Molecular Medicine, Mass General Brigham Personalized Medicine
Classification: Uncertain significance. Last evaluated: 2014-08-07. Review status: criteria provided, single submitter. Criteria: LMM Criteria. Collection method: clinical testing. Allele origin: germline. Observed: 3 variant alleles.
Comment: Data from large population studi es is insufficient to assess the frequency of this variant. Glutamic acid (Glu) at position 1152 is highly conserved in mammals and across evolutionarily distan t species and the change to valine (Val) was predicted to be pathogenic using a computational tool clinically validated by our laboratory. This tool's pathogeni c prediction is estimated to be correct 94% of the time (Jordan 2011). In summar y, the clinical significance of the Glu1152Val variant is uncertain.

Literature cited by the submitters: PubMed 24503780 (cited by Labcorp Genetics (formerly Invitae), Labcorp); PubMed 37652022 (cited by Labcorp Genetics (formerly Invitae), Labcorp); PubMed 27247418 (cited by Ambry Genetics); PubMed 27532257 (cited by Ambry Genetics).

NM_000257.4(MYH7):c.3455A>T (p.Glu1152Val)

Gene: MYH7 (myosin heavy chain 7; minus strand). Cytogenetic location: 14q11.2.
Variant type: single nucleotide variant.
Coding change: c.3455A>T on transcript NM_000257.4 (MANE Select); coding-DNA position 3455, A replaced by T.
Protein change: p.Glu1152Val; replaces glutamic acid 1152 with valine.
Molecular consequence: missense variant.
Genome position (GRCh38, 1-based): chr14:23,420,116, T>A on the plus strand (A>T on the coding strand, the complement: MYH7 is on the minus strand). VCF-style: chr14-23420116-T-A. GRCh37 (hg19) VCF-style: chr14-23889325-T-A.
Other names: short protein forms E1152V.
Identifiers: ClinVar variation 42961 (VCV000042961.20), dbSNP rs397516184, ClinGen allele CA013725.